The following is an entry in ClinVar:

NM_005635.4(SSX1):c.184+4A>G

Gene: SSX1 (SSX family member 1; plus strand). Cytogenetic location: Xp11.23.
Variant type: single nucleotide variant.
Coding change: c.184+4A>G on transcript NM_005635.4 (MANE Select); 4 bases into the intron after coding-DNA position 184, A replaced by G.
Molecular consequence: intron variant.
Genome position (GRCh38, 1-based): chrX:48,257,864, A>G. VCF-style: chrX-48257864-A-G. GRCh37 (hg19) VCF-style: chrX-48117299-A-G.
Other names: c.184+4A>G (NM_001278691.2).
Identifiers: ClinVar variation 3048262 (VCV003048262.2), dbSNP rs201360957, ClinGen allele CA10401286.
Genomic context (GRCh38, chrX:48,257,864, plus strand): 5'-CGGAGAAAATCAGCTATGTGTATATGAAGAGAAACTATAAGGCCATGACTAAACTAGGTA[A>G]CAGAAAGTTCTAGGAACAGACAAGTCTGGGGATACATGAGCATCCCTTTTCCTGCTTTGG-3'

ClinVar aggregate classification (germline): Likely benign (0 of 4 stars; one submission).

Conditions:
SSX1-related disorder. Also called: SSX1-related condition.

Allele frequency attached by ClinVar (database versions not stated): TOPMed 0.00063; gnomAD 0.00066; ExAC 0.00082; ESP Exome Variant Server 0.00085; gnomAD exomes 0.00090.
gnomAD v4.1: 985 of 1,128,753 alleles (0.087%); highest among the groups gnomAD compares: Non-Finnish European, 0.096%; no homozygotes.

Submission:

PreventionGenetics, part of Exact Sciences
Classification: Likely benign for SSX1-related condition. Last evaluated: 2019-11-16. Review status: no assertion criteria provided. Collection method: clinical testing. Allele origin: germline.
Comment: This variant is classified as likely benign based on ACMG/AMP sequence variant interpretation guidelines (Richards et al. 2015 PMID: 25741868, with internal and published modifications).